The following is an entry in ClinVar:

NM_002458.3(MUC5B):c.13595C>A (p.Thr4532Asn)

Gene: MUC5B (mucin 5B, oligomeric mucus/gel-forming; plus strand). Cytogenetic location: 11p15.5.
Variant type: single nucleotide variant.
Coding change: c.13595C>A on transcript NM_002458.3 (MANE Select); coding-DNA position 13595, C replaced by A.
Protein change: p.Thr4532Asn; replaces threonine 4532 with asparagine.
Molecular consequence: missense variant.
Genome position (GRCh38, 1-based): chr11:1,250,475, C>A. VCF-style: chr11-1250475-C-A. GRCh37 (hg19) VCF-style: chr11-1271705-C-A.
Other names: short protein forms T4532N.
Identifiers: ClinVar variation 4820959 (VCV004820959.4).
Genomic context (GRCh38, chr11:1,250,475, plus strand): 5'-GCACAGCCACCACACCCACAGCTACCAGCTTTACAGCCATCCCCTCCTCCTCCCTGGGCA[C>A]CACCTGGACCCGCCTATCACAGACCACCACACCCACGGCCACCATGTCCACAGCCACACC-3'
Protein context (NP_002449.2, residues 4522-4542): FTAIPSSSLG[Thr4532Asn]TWTRLSQTTT

ClinVar aggregate classification (germline): Likely benign (1 of 4 stars; one submission).

Submission:

CeGaT Center for Human Genetics Tuebingen
Classification: Likely benign. Last evaluated: 2026-02-01. Review status: criteria provided, single submitter. Criteria: CeGaT Center For Human Genetics Tuebingen Variant Classification Criteria Version 2. Collection method: clinical testing. Allele origin: germline. Affected: yes. Observed: 1 variant allele.
Comment: MUC5B: BP4, BS2